The following is an entry in ClinVar:

NM_000038.6(APC):c.4120G>A (p.Glu1374Lys)

Gene: APC (APC regulator of Wnt signaling pathway; plus strand). Cytogenetic location: 5q22.2.
Variant type: single nucleotide variant.
Coding change: c.4120G>A on transcript NM_000038.6 (MANE Select); coding-DNA position 4120, G replaced by A.
Protein change: p.Glu1374Lys; replaces glutamic acid 1374 with lysine.
Molecular consequence: missense variant.
Genome position (GRCh38, 1-based): chr5:112,839,714, G>A. VCF-style: chr5-112839714-G-A. GRCh37 (hg19) VCF-style: chr5-112175411-G-A.
Other names: c.4120G>A, p.Glu1374Lys (NM_001127510.3, NM_001354895.2); c.4066G>A, p.Glu1356Lys (NM_001127511.3); c.4174G>A, p.Glu1392Lys (NM_001354896.2); c.4150G>A, p.Glu1384Lys (NM_001354897.2); c.4045G>A, p.Glu1349Lys (NM_001354898.2); c.4036G>A, p.Glu1346Lys (NM_001354899.2); c.3997G>A, p.Glu1333Lys (NM_001354900.2); c.3943G>A, p.Glu1315Lys (NM_001354901.2); and 5 more; short protein forms E1356K, E1374K, E1214K, E1315K, E1349K, E1091K, E1346K, E1248K.
Identifiers: ClinVar variation 231434 (VCV000231434.56), dbSNP rs876659156, ClinGen allele CA10578368.

ClinVar aggregate classification (germline): Uncertain significance. Review status: criteria provided, multiple submitters, no conflicts (2 of 4 stars). 3 submissions from 3 submitters: Uncertain significance (3). Last evaluated 2026-04-06.

Conditions:
Hereditary cancer-predisposing syndrome. Also called: Neoplastic Syndromes, Hereditary; Hereditary Cancer Syndrome; Tumor predisposition; Hereditary neoplastic syndrome. Identifiers: Orphanet 140162, MedGen C0027672, MeSH D009386, MONDO:0015356.
Familial adenomatous polyposis 1 (FAP1). Also called: FAMILIAL ADENOMATOUS POLYPOSIS 1, ATTENUATED; POLYPOSIS, ADENOMATOUS INTESTINAL. Identifiers: MedGen C2713442, MONDO:0021056, OMIM 175100. Disease mechanism: loss of function.

Submissions (3):

Ambry Genetics
Classification: Uncertain significance for Hereditary cancer-predisposing syndrome. Last evaluated: 2026-04-06. Review status: criteria provided, single submitter. Criteria: Ambry Variant Classification Scheme 2023. Collection method: clinical testing. Allele origin: germline.

Labcorp Genetics (formerly Invitae), Labcorp
Classification: Uncertain significance for Familial adenomatous polyposis 1. Last evaluated: 2025-10-22. Review status: criteria provided, single submitter. Criteria: Invitae Variant Classification Sherloc (09022015). Collection method: clinical testing. Allele origin: germline.
Comment: This sequence change replaces glutamic acid, which is acidic and polar, with lysine, which is basic and polar, at codon 1374 of the APC protein (p.Glu1374Lys). This variant is not present in population databases (gnomAD no frequency). This variant has not been reported in the literature in individuals affected with APC-related conditions. ClinVar contains an entry for this variant (Variation ID: 231434). Invitae Evidence Modeling of protein sequence and biophysical properties (such as structural, functional, and spatial information, amino acid conservation, physicochemical variation, residue mobility, and thermodynamic stability) indicates that this missense variant is not expected to disrupt APC protein function with a negative predictive value of 95%. In summary, the available evidence is currently insufficient to determine the role of this variant in disease. Therefore, it has been classified as a Variant of Uncertain Significance.

GeneDx
Classification: Uncertain significance. Last evaluated: 2016-11-15. Review status: criteria provided, single submitter. Criteria: GeneDx Variant Classification (06012015). Collection method: clinical testing. Allele origin: germline. Affected: yes.
Comment: This variant is denoted APC c.4120G>A at the cDNA level, p.Glu1374Lys (E1374K) at the protein level, and results in the change of a Glutamic Acid to a Lysine (GAA>AAA). This variant has not, to our knowledge, been published in the literature as either a pathogenic germline variant or a benign polymorphism. However, it has been reported as a somatic variant in a salivary duct carcinoma (Ku 2014). APC Glu1374Lys was not observed in approximately 6,500 individuals of European and African American ancestry in the NHLBI Exome Sequencing Project, suggesting it is not a common benign variant in these populations. Since Glutamic Acid and Lysine differ in polarity, charge, size or other properties, this is considered a non-conservative amino acid substitution. APC Glu1374Lys occurs at a position that is conserved across species and is located in the 20-amino acid repeat B-catenin down-regulating domain (Azzopardi 2008). In silico analyses predict that this variant is probably damaging to protein structure and function. Based on currently available evidence, it is unclear whether APC Glu1374Lys is a pathogenic or benign variant. We consider it to be a variant of uncertain significance.